The following is an entry in ClinVar:

NM_015338.6(ASXL1):c.2849T>C (p.Leu950Pro)

Gene: ASXL1 (ASXL transcriptional regulator 1; plus strand). Cytogenetic location: 20q11.21.
Variant type: single nucleotide variant.
Coding change: c.2849T>C on transcript NM_015338.6 (MANE Select); coding-DNA position 2849, T replaced by C.
Protein change: p.Leu950Pro; replaces leucine 950 with proline.
Molecular consequence: missense variant.
Genome position (GRCh38, 1-based): chr20:32,435,561, T>C. VCF-style: chr20-32435561-T-C. GRCh37 (hg19) VCF-style: chr20-31023364-T-C.
Other names: c.2666T>C, p.Leu889Pro (NM_001363734.1); short protein forms L889P, L950P.
Identifiers: ClinVar variation 2760976 (VCV002760976.4), dbSNP rs2515572349, ClinGen allele CA408561475.

ClinVar aggregate classification (germline): Uncertain significance. Review status: criteria provided, multiple submitters, no conflicts (2 of 4 stars). 2 submissions from 2 submitters: Uncertain significance (2). Last evaluated 2025-06-24.

Conditions:
Inborn genetic diseases. Identifiers: MedGen C0950123, MeSH D030342.

Submissions (2):

Ambry Genetics
Classification: Uncertain significance for Inborn genetic diseases. Last evaluated: 2025-06-24. Review status: criteria provided, single submitter. Criteria: Ambry Variant Classification Scheme 2023. Collection method: clinical testing. Allele origin: germline.
Comment: The p.L950P variant (also known as c.2849T>C), located in coding exon 13 of the ASXL1 gene, results from a T to C substitution at nucleotide position 2849. The leucine at codon 950 is replaced by proline, an amino acid with similar properties. This amino acid position is conserved. In addition, this alteration is predicted to be tolerated by in silico analysis. Based on the available evidence, the clinical significance of this variant remains unclear.

Labcorp Genetics (formerly Invitae), Labcorp
Classification: Uncertain significance. Last evaluated: 2024-02-12. Review status: criteria provided, single submitter. Criteria: Invitae Variant Classification Sherloc (09022015). Collection method: clinical testing. Allele origin: germline.
Comment: This sequence change replaces leucine, which is neutral and non-polar, with proline, which is neutral and non-polar, at codon 950 of the ASXL1 protein (p.Leu950Pro). This variant is not present in population databases (gnomAD no frequency). This variant has not been reported in the literature in individuals affected with ASXL1-related conditions. An algorithm developed to predict the effect of missense changes on protein structure and function (PolyPhen-2) suggests that this variant is likely to be disruptive. In summary, the available evidence is currently insufficient to determine the role of this variant in disease. Therefore, it has been classified as a Variant of Uncertain Significance.